The following is an entry in ClinVar:

NM_004700.4(KCNQ4):c.2063G>T (p.Arg688Leu)

Gene: KCNQ4 (potassium voltage-gated channel subfamily Q member 4; plus strand). Cytogenetic location: 1p34.2.
Variant type: single nucleotide variant.
Coding change: c.2063G>T on transcript NM_004700.4 (MANE Select); coding-DNA position 2063, G replaced by T.
Protein change: p.Arg688Leu; replaces arginine 688 with leucine.
Molecular consequence: missense variant.
Genome position (GRCh38, 1-based): chr1:40,838,498, G>T. VCF-style: chr1-40838498-G-T. GRCh37 (hg19) VCF-style: chr1-41304170-G-T.
Other names: c.1901G>T, p.Arg634Leu (NM_172163.3); short protein forms R634L, R688L.
Identifiers: ClinVar variation 1407787 (VCV001407787.8), dbSNP rs761479115, ClinGen allele CA795066.

ClinVar aggregate classification (germline): Uncertain significance (1 of 4 stars; one submission).

Allele frequency attached by ClinVar (database versions not stated): TOPMed below 0.00001.
gnomAD v4.1: 8 of 1,614,112 alleles (0.0005%); highest among the groups gnomAD compares: Non-Finnish European, 0.00068%; no homozygotes.

Submission:

Labcorp Genetics (formerly Invitae), Labcorp
Classification: Uncertain significance. Last evaluated: 2022-03-10. Review status: criteria provided, single submitter. Criteria: Invitae Variant Classification Sherloc (09022015). Collection method: clinical testing. Allele origin: germline.
Comment: This sequence change replaces arginine, which is basic and polar, with leucine, which is neutral and non-polar, at codon 688 of the KCNQ4 protein (p.Arg688Leu). This variant is present in population databases (rs761479115, gnomAD 0.0009%). In summary, the available evidence is currently insufficient to determine the role of this variant in disease. Therefore, it has been classified as a Variant of Uncertain Significance. Algorithms developed to predict the effect of missense changes on protein structure and function (SIFT, PolyPhen-2, Align-GVGD) all suggest that this variant is likely to be tolerated. This variant has not been reported in the literature in individuals affected with KCNQ4-related conditions.